The following is an entry in ClinVar:

NM_000256.3(MYBPC3):c.2568G>T (p.Arg856Ser)

Gene: MYBPC3 (myosin binding protein C3; minus strand). Cytogenetic location: 11p11.2.
Variant type: single nucleotide variant.
Coding change: c.2568G>T on transcript NM_000256.3 (MANE Select); coding-DNA position 2568, G replaced by T.
Protein change: p.Arg856Ser; replaces arginine 856 with serine.
Molecular consequence: missense variant.
Genome position (GRCh38, 1-based): chr11:47,337,425, C>A on the plus strand (G>T on the coding strand, the complement: MYBPC3 is on the minus strand). VCF-style: chr11-47337425-C-A. GRCh37 (hg19) VCF-style: chr11-47358976-C-A.
Other names: short protein forms R856S.
Identifiers: ClinVar variation 3387109 (VCV003387109.2).

ClinVar aggregate classification (germline): Uncertain significance. Review status: criteria provided, multiple submitters, no conflicts (2 of 4 stars). 2 submissions from 2 submitters: Uncertain significance (2). Last evaluated 2024-05-14.

Conditions:
Hypertrophic cardiomyopathy. Also called: HYPERTROPHIC MYOCARDIOPATHY. Identifiers: Orphanet 217569, MedGen C0007194, MeSH D002312, MONDO:0005045, HP:0001639.
Cardiomyopathy (CMYO). Also called: Cardiomyopathies. Identifiers: Orphanet 167848, MedGen C0878544, MONDO:0004994, HP:0001638. Inheritance: Various modes of inheritance.

gnomAD v4.1: 2 of 1,607,428 alleles (0.00012%); highest among the groups gnomAD compares: South Asian, 0.0022%; no homozygotes.

Submissions (2):

All of Us Research Program, National Institutes of Health
Classification: Uncertain significance for Hypertrophic cardiomyopathy. Last evaluated: 2024-05-14. Review status: criteria provided, single submitter. Criteria: ACMG Guidelines, 2015. Collection method: clinical testing. Allele origin: germline. Inheritance: Autosomal dominant inheritance. Observed: 1 variant allele, 1 heterozygote.
Comment: This missense variant replaces arginine with serine at codon 856 of the MYBPC3 protein. Computational prediction tools indicate that this variant has a neutral impact on protein structure and function. To our knowledge, functional studies have not been reported for this variant. This variant has not been reported in individuals affected with MYBPC3-related disorders in the literature. This variant has been identified in 1/243396 chromosomes in the general population by the Genome Aggregation Database (gnomAD). The available evidence is insufficient to determine the role of this variant in disease conclusively. Therefore, this variant is classified as a Variant of Uncertain Significance.

This study involves interpretation of variants in research participants for the purpose of population health screening. Participant phenotype was not available at the time of variant classification. Additional details can be found in publication PMID: 35346344, PMCID: PMC8962531

Color Diagnostics, LLC DBA Color Health
Classification: Uncertain significance for Cardiomyopathy. Last evaluated: 2024-04-17. Review status: criteria provided, single submitter. Criteria: ACMG Guidelines, 2015. Collection method: clinical testing. Allele origin: germline.
Comment: This missense variant replaces arginine with serine at codon 856 of the MYBPC3 protein. Computational prediction tools indicate that this variant has a neutral impact on protein structure and function. To our knowledge, functional studies have not been reported for this variant. This variant has not been reported in individuals affected with MYBPC3-related disorders in the literature. This variant has been identified in 1/243396 chromosomes in the general population by the Genome Aggregation Database (gnomAD). The available evidence is insufficient to determine the role of this variant in disease conclusively. Therefore, this variant is classified as a Variant of Uncertain Significance.